The following is an entry in ClinVar:

NC_000013.11:g.(?_48303701)_(48480071_?)del

Genes: LPAR6 (lysophosphatidic acid receptor 6; minus strand), RB1 (RB transcriptional corepressor 1; plus strand). Cytogenetic location: 13q14.2.
Variant type: Deletion.
Identifiers: ClinVar variation 831520 (VCV000831520.1).

ClinVar aggregate classification (germline): Pathogenic (1 of 4 stars; one submission).

Conditions:
Retinoblastoma (RB1). Also called: RETINOBLASTOMA, SOMATIC. Identifiers: Orphanet 790, MedGen C0035335, MeSH D012175, MONDO:0008380, OMIM 180200, HP:0009919. Disease mechanism: loss of function. Inheritance: Both sporadic and heritable forms are tested..

Submission:

Labcorp Genetics (formerly Invitae), Labcorp
Classification: Pathogenic for Retinoblastoma. Last evaluated: 2019-12-15. Review status: criteria provided, single submitter. Criteria: Invitae Variant Classification Sherloc (09022015). Collection method: clinical testing. Allele origin: germline.
Comment: A gross deletion of the genomic region encompassing the full coding sequence of the RB1 gene has been identified. The boundaries of this event are unknown as the deletion extends beyond the assayed region for this gene and therefore may encompass additional genes. Deletion of entire coding sequence has been observed in many individuals with retinoblastoma (PMID: 12541220). Loss-of-function variants in RB1 are known to be pathogenic (PMID: 17096365). For these reasons, this variant has been classified as Pathogenic.

Literature cited by the submitters: PubMed 12541220.